The following is an entry in ClinVar:

NM_000179.3(MSH6):c.334A>G (p.Asn112Asp)

Gene: MSH6 (mutS homolog 6; plus strand). Cytogenetic location: 2p16.3.
Variant type: single nucleotide variant.
Coding change: c.334A>G on transcript NM_000179.3 (MANE Select); coding-DNA position 334, A replaced by G.
Protein change: p.Asn112Asp; replaces asparagine 112 with aspartic acid.
Molecular consequence: missense variant. On other transcripts: 5 prime UTR variant (2), intron variant (1).
Genome position (GRCh38, 1-based): chr2:47,791,000, A>G. VCF-style: chr2-47791000-A-G. GRCh37 (hg19) VCF-style: chr2-48018139-A-G.
Other names: c.-403A>G (NM_001281493.2); c.-569A>G (NM_001281494.2); c.237+7530A>G (NM_001281492.2); short protein forms N112D.
Identifiers: ClinVar variation 220150 (VCV000220150.32), dbSNP rs864622397, ClinGen allele CA348775.
Genomic context (GRCh38, chr2:47,791,000, plus strand): 5'-CCAGGAGATTTGGTTTGGGCCAAGATGGAGGGTTACCCCTGGTGGCCTTGTCTGGTTTAC[A>G]ACCACCCCTTTGATGGAACATTCATCCGCGAGAAAGGGAAATCAGTCCGTGTTCATGTAC-3'
Protein context (NP_000170.1, residues 102-122): GYPWWPCLVY[Asn112Asp]HPFDGTFIRE

ClinVar aggregate classification (germline): Conflicting classifications of pathogenicity. Review status: criteria provided, conflicting classifications (1 of 4 stars). 11 submissions from 11 submitters: Uncertain significance (7); Benign (1); Likely benign (2). 1 of the submissions does not count toward it. Last evaluated 2026-08-06.

Conditions:
Hereditary nonpolyposis colorectal neoplasms. Identifiers: MedGen C0009405, MeSH D003123.
Hepatoblastoma. Identifiers: Orphanet 449, MedGen C0206624, MONDO:0018666, HP:0002884.
Lynch syndrome. Identifiers: Orphanet 144, MedGen C4552100, MONDO:0005835. Disease mechanism: loss of function.
Hereditary cancer-predisposing syndrome. Also called: Hereditary Cancer Syndrome; Tumor predisposition; Hereditary neoplastic syndrome; Neoplastic Syndromes, Hereditary. Identifiers: Orphanet 140162, MedGen C0027672, MeSH D009386, MONDO:0015356.
Endometrial carcinoma. Also called: Endometrial carcinoma, somatic. Identifiers: MedGen C0476089, MONDO:0002447, OMIM 608089, HP:0012114.
Lynch syndrome 5 (LYNCH5). Also called: Hereditary non-polyposis colorectal cancer, type 5; Colorectal cancer, hereditary nonpolyposis, type 5. Identifiers: Orphanet 144, MedGen C1833477, MONDO:0013710, OMIM 614350. Disease mechanism: loss of function.
Mismatch repair cancer syndrome 3. Identifiers: MedGen C5436807, MONDO:0030841, OMIM 619097.
Hereditary cancer. Identifiers: MedGen C1333600.

Allele frequency attached by ClinVar (database versions not stated): TOPMed below 0.00001.

Submissions (11):

OLLIN Analises Genomicas, OLLIN
Classification: Uncertain significance for Endometrial carcinoma. Last evaluated: 2026-08-06. Review status: criteria provided, single submitter. Criteria: ACMG Guidelines 2015 PMID 25741868. Collection method: clinical testing. Allele origin: germline. Inheritance: Autosomal dominant inheritance.
Comment: This missense variant, located in exon 2 (of 10), has been reported in ClinVar (accession VCV001730491.2) and in gnomAD with an allele frequency of 0.000062%. However, to our knowledge, it has not been reported in the scientific literature. In silico analysis predicts that this variant has a tolerated effect. According to the currently available evidence, this variant has been classified as uncertain significance (PM2_P, BP4).

Labcorp Genetics (formerly Invitae), Labcorp
Classification: Benign for Hereditary nonpolyposis colorectal neoplasms. Last evaluated: 2026-01-12. Review status: criteria provided, single submitter. Criteria: Invitae Variant Classification Sherloc (09022015). Collection method: clinical testing. Allele origin: germline.

Color Diagnostics, LLC DBA Color Health
Classification: Uncertain significance for Hereditary cancer-predisposing syndrome. Last evaluated: 2025-12-16. Review status: criteria provided, single submitter. Criteria: ACMG Guidelines, 2015. Collection method: clinical testing. Allele origin: germline.
Comment: This missense variant replaces asparagine with aspartic acid at codon 112 of the MSH6 protein. Computational prediction suggests that this variant may not impact protein structure and function. To our knowledge, functional studies have not been reported for this variant. This variant has not been reported in individuals affected with MSH6-related disorders in the literature. This variant has been identified in 1/1614238 chromosomes in the general population by the Genome Aggregation Database (gnomAD). The available evidence is insufficient to determine the role of this variant in disease conclusively. Therefore, this variant is classified as a Variant of Uncertain Significance.

Center for Genomic Medicine, Rigshospitalet, Copenhagen University Hospital
Classification: Uncertain significance. Last evaluated: 2025-03-04. Review status: criteria provided, single submitter. Criteria: ACMG Guidelines, 2015. Collection method: clinical testing. Allele origin: germline.

GeneDx
Classification: Uncertain significance. Last evaluated: 2025-01-21. Review status: criteria provided, single submitter. Criteria: GeneDx Variant Classification Process June 2021. Collection method: clinical testing. Allele origin: germline. Affected: yes.
Comment: Not observed at significant frequency in large population cohorts (gnomAD); In silico analysis indicates that this missense variant does not alter protein structure/function; This variant is associated with the following publications: (PMID: 38060977, 35495172, 35264596, 38136308, 35534704)

Ambry Genetics
Classification: Likely benign for Hereditary cancer-predisposing syndrome. Last evaluated: 2024-08-05. Review status: criteria provided, single submitter. Criteria: Ambry Variant Classification Scheme 2023. Collection method: clinical testing. Allele origin: germline.

Hema, HEMA – Genetic and Molecular Diagnostic Laboratory
Classification: Uncertain significance for Lynch syndrome. Last evaluated: 2024-03-05. Review status: criteria provided, single submitter. Criteria: HEMA Variant Classification Assertion Criteria. Collection method: clinical testing. Allele origin: germline.
Comment: The c.334A>G (p.Asn112Asp) variant is a transition from adenine to guanine, resulting in the substitution of asparagine 112 with aspartic acid in the MSH6 protein. PM2_Supporting: Absent in gnomAD non-cancer. Lynch: BP4: Prior probability of pathogenicity score MAPP/PP2 = 0.04 < 0.11.

Mendelics
Classification: Likely benign for Hereditary cancer. Last evaluated: 2024-01-23. Review status: criteria provided, single submitter. Criteria: ACMG Guidelines, 2015. Collection method: clinical testing. Allele origin: unknown.

Fulgent Genetics
Classification: Uncertain significance for Endometrial carcinoma; Lynch syndrome 5; Mismatch repair cancer syndrome 3. Last evaluated: 2024-01-03. Review status: criteria provided, single submitter. Criteria: ACMG Guidelines, 2015. Collection method: clinical testing. Allele origin: germline.

Blueprint Genetics
Classification: Uncertain significance. Last evaluated: 2022-11-02. Review status: criteria provided, single submitter. Criteria: ACMG Guidelines, 2015. Collection method: clinical testing. Allele origin: germline.

Molecular Oncology -  Human Genetics Lab, University of Sao Paulo
Classification: Uncertain significance for Hepatoblastoma. Review status: no assertion criteria provided. Collection method: research. Allele origin: germline. Affected: yes. Not counted in ClinVar's aggregate classification.